The following is an entry in ClinVar:

NM_006269.2(RP1):c.4919A>G (p.Asp1640Gly)

Genes: RP1 (RP1 axonemal microtubule associated; plus strand), LOC126860392 (CDK7 strongly-dependent group 2 enhancer GRCh37_chr8:55541319-55542518; plus strand). Cytogenetic location: 8q12.1.
Variant type: single nucleotide variant.
Coding change: c.4919A>G on transcript NM_006269.2 (MANE Select); coding-DNA position 4919, A replaced by G.
Protein change: p.Asp1640Gly; replaces aspartic acid 1640 with glycine.
Molecular consequence: missense variant. On other transcripts: intron variant (1).
Genome position (GRCh38, 1-based): chr8:54,628,801, A>G. VCF-style: chr8-54628801-A-G. GRCh37 (hg19) VCF-style: chr8-55541361-A-G.
Other names: c.787+6513A>G (NM_001375654.1); short protein forms D1640G.
Identifiers: ClinVar variation 1521729 (VCV001521729.7), dbSNP rs2129317895, ClinGen allele CA370984318.

ClinVar aggregate classification (germline): Uncertain significance. Review status: criteria provided, multiple submitters, no conflicts (2 of 4 stars). 2 submissions from 2 submitters: Uncertain significance (2). Last evaluated 2025-03-31.

Allele frequency attached by ClinVar (database versions not stated): gnomAD exomes below 0.00001.
gnomAD v4.1: 2 of 1,614,150 alleles (0.00012%); highest among the groups gnomAD compares: Non-Finnish European, 0.000085%; no homozygotes.

Submissions (2):

Labcorp Genetics (formerly Invitae), Labcorp
Classification: Uncertain significance. Last evaluated: 2025-03-31. Review status: criteria provided, single submitter. Criteria: Invitae Variant Classification Sherloc (09022015). Collection method: clinical testing. Allele origin: germline.
Comment: This sequence change replaces aspartic acid, which is acidic and polar, with glycine, which is neutral and non-polar, at codon 1640 of the RP1 protein (p.Asp1640Gly). This variant is not present in population databases (gnomAD no frequency). This variant has not been reported in the literature in individuals affected with RP1-related conditions. ClinVar contains an entry for this variant (Variation ID: 1521729). An algorithm developed to predict the effect of missense changes on protein structure and function (PolyPhen-2) suggests that this variant is likely to be tolerated. In summary, the available evidence is currently insufficient to determine the role of this variant in disease. Therefore, it has been classified as a Variant of Uncertain Significance.

Blueprint Genetics
Classification: Uncertain significance. Last evaluated: 2020-07-29. Review status: criteria provided, single submitter. Criteria: ACMG Guidelines, 2015. Collection method: clinical testing. Allele origin: germline.